The following is an entry in ClinVar:

NM_021942.6(TRAPPC11):c.2508+5A>G

Genes: TRAPPC11 (trafficking protein particle complex subunit 11; plus strand), LOC126807238 (BRD4-independent group 4 enhancer GRCh37_chr4:184614366-184615565; plus strand). Cytogenetic location: 4q35.1.
Variant type: single nucleotide variant.
Coding change: c.2508+5A>G on transcript NM_021942.6 (MANE Select); 5 bases into the intron after coding-DNA position 2508, A replaced by G.
Molecular consequence: intron variant.
Genome position (GRCh38, 1-based): chr4:183,694,043, A>G. VCF-style: chr4-183694043-A-G. GRCh37 (hg19) VCF-style: chr4-184615196-A-G.
Other names: c.2508+5A>G (NM_199053.3).
Identifiers: ClinVar variation 852987 (VCV000852987.9), dbSNP rs1736402062, ClinGen allele CA916082672.
Genomic context (GRCh38, chr4:183,694,043, plus strand): 5'-CCTACCCGGCTTTACTCACTGACATTCCTGTTGGAGACTTACATCCAGGGGAACAGGTAA[A>G]CTTGGTCAACTGGGATTGAAGAGGAAATCAATTAGTTTGTAGTTTTAAATATATAGTGAG-3'

ClinVar aggregate classification (germline): Uncertain significance (1 of 4 stars; one submission).

Conditions:
Autosomal recessive limb-girdle muscular dystrophy type R18 (LGMDR18). Also called: Limb-girdle muscular dystrophy, type 2S; Autosomal recessive limb-girdle muscular dystrophy type 2S; MUSCULAR DYSTROPHY, LIMB-GIRDLE, AUTOSOMAL RECESSIVE 18. Identifiers: Orphanet 369840, MedGen C4517996, MONDO:0014144, OMIM 615356.

Submission:

Labcorp Genetics (formerly Invitae), Labcorp
Classification: Uncertain significance for Autosomal recessive limb-girdle muscular dystrophy type R18. Last evaluated: 2022-07-19. Review status: criteria provided, single submitter. Criteria: Invitae Variant Classification Sherloc (09022015). Collection method: clinical testing. Allele origin: germline.
Comment: In summary, the available evidence is currently insufficient to determine the role of this variant in disease. Therefore, it has been classified as a Variant of Uncertain Significance. Variants that disrupt the consensus splice site are a relatively common cause of aberrant splicing (PMID: 17576681, 9536098). Algorithms developed to predict the effect of sequence changes on RNA splicing suggest that this variant is not likely to affect RNA splicing. ClinVar contains an entry for this variant (Variation ID: 852987). This variant has not been reported in the literature in individuals affected with TRAPPC11-related conditions. This variant is not present in population databases (gnomAD no frequency). This sequence change falls in intron 22 of the TRAPPC11 gene. It does not directly change the encoded amino acid sequence of the TRAPPC11 protein. It affects a nucleotide within the consensus splice site.

Literature cited by the submitters: PubMed 17576681; PubMed 9536098.